The following is an entry in ClinVar:

NM_000465.4(BARD1):c.99C>T (p.Ala33=)

Gene: BARD1 (BRCA1 associated RING domain 1; minus strand). Cytogenetic location: 2q35.
Variant type: single nucleotide variant.
Coding change: c.99C>T on transcript NM_000465.4 (MANE Select); coding-DNA position 99, C replaced by T.
Protein change: p.Ala33=; no amino-acid change (alanine 33 retained).
Molecular consequence: synonymous variant. On other transcripts: non-coding transcript variant (3).
Genome position (GRCh38, 1-based): chr2:214,809,471, G>A on the plus strand (C>T on the coding strand, the complement: BARD1 is on the minus strand). VCF-style: chr2-214809471-G-A. GRCh37 (hg19) VCF-style: chr2-215674195-G-A.
Other names: c.99C>T, p.Ala33= (NM_001282543.2, NM_001282545.2, NM_001282548.2 and 1 more transcripts).
Identifiers: ClinVar variation 509813 (VCV000509813.2), dbSNP rs1553628412, ClinGen allele CA350465039.
Genomic context (GRCh38, chr2:214,809,471, plus strand): 5'-CCAACGCGAGCAGCGCAGCAGCTTCTCCAGGCGGTCGAGCGCGGCGCGACTGTGGGCCCA[G>A]GCACCGCGACCATCCGGTTCCATGGCGGGCGCGGAACGAGGCTCGTTCCCGGAGCGGATC-3'
Protein context (NP_000456.2, residues 23-43): APAMEPDGRG[Ala33=]WAHSRAALDR

ClinVar aggregate classification (germline): Benign/Likely benign. Review status: criteria provided, multiple submitters, no conflicts (2 of 4 stars). 2 submissions from 2 submitters: Benign (1); Likely benign (1). Last evaluated 2024-07-18.

Conditions:
Familial cancer of breast. Also called: hereditary breast carcinoma; BREAST CANCER, FAMILIAL; Hereditary breast cancer. Identifiers: Orphanet 227535, MedGen C0346153, MONDO:0016419, OMIM 114480. Disease mechanism: loss of function.

gnomAD v4.1: 1 of 1,610,604 alleles (0.000062%); highest among the groups gnomAD compares: Non-Finnish European, 0.000085%; no homozygotes.

Submissions (2):

Myriad Genetics, Inc.
Classification: Benign for Familial cancer of breast. Last evaluated: 2024-07-18. Review status: criteria provided, single submitter. Criteria: Myriad Autosomal Dominant, Autosomal Recessive and X-Linked Classification Criteria (2023). Collection method: clinical testing. Allele origin: unknown.
Comment: This variant is considered benign. This variant is a silent/synonymous amino acid change and it is not expected to impact splicing.

GeneDx
Classification: Likely benign. Last evaluated: 2017-05-24. Review status: criteria provided, single submitter. Criteria: GeneDx Variant Classification (06012015). Collection method: clinical testing. Allele origin: germline. Affected: yes.
Comment: This variant is considered likely benign or benign based on one or more of the following criteria: it is a conservative change, it occurs at a poorly conserved position in the protein, it is predicted to be benign by multiple in silico algorithms, and/or has population frequency not consistent with disease.